The following is an entry in ClinVar:

ClinVar aggregate classification (germline): Uncertain significance. Review status: criteria provided, multiple submitters, no conflicts (2 of 4 stars). 4 submissions from 4 submitters: Uncertain significance (4). Last evaluated 2026-03-29.

Conditions:
PRX-related disorder. Also called: PRX-Related Disorders; PRX-related condition.
Inborn genetic diseases. Identifiers: MedGen C0950123, MeSH D030342.
Charcot-Marie-Tooth disease type 4. Also called: Charcot-Marie-Tooth disease, type IV; Charcot-Marie-Tooth, Type 4. Identifiers: Orphanet 64749, MedGen C4082197, MONDO:0018995.

Allele frequency attached by ClinVar (database versions not stated): ExAC 0.00001; gnomAD exomes 0.00001; TOPMed 0.00002; gnomAD 0.00003 and 0.00004.
gnomAD v4.1: 61 of 1,599,920 alleles (0.0038%); highest among the groups gnomAD compares: African/African-American, 0.0054%; no homozygotes.

Submissions (4):

PreventionGenetics, part of Exact Sciences
Classification: Uncertain significance for PRX-related condition. Last evaluated: 2026-03-29. Review status: criteria provided, single submitter. Criteria: ACMG Guidelines, 2015. Collection method: clinical testing. Allele origin: germline.
Comment: The PRX c.3845C>T variant is predicted to result in the amino acid substitution p.Ser1282Leu. To our knowledge, this variant has not been reported in the literature. This variant is reported in 0.0046% of alleles in individuals of European (Finnish) descent in gnomAD. At this time, the clinical significance of this variant is uncertain due to the absence of conclusive functional and genetic evidence.

GeneDx
Classification: Uncertain significance. Last evaluated: 2025-11-05. Review status: criteria provided, single submitter. Criteria: GeneDx Variant Classification Process June 2021. Collection method: clinical testing. Allele origin: germline. Affected: yes.
Comment: Not observed at significant frequency in large population cohorts (gnomAD); In silico analysis supports that this missense variant has a deleterious effect on protein structure/function; Has not been previously published as pathogenic or benign to our knowledge

Labcorp Genetics (formerly Invitae), Labcorp
Classification: Uncertain significance for Charcot-Marie-Tooth disease type 4. Last evaluated: 2024-09-01. Review status: criteria provided, single submitter. Criteria: Invitae Variant Classification Sherloc (09022015). Collection method: clinical testing. Allele origin: germline.
Comment: This sequence change replaces serine, which is neutral and polar, with leucine, which is neutral and non-polar, at codon 1282 of the PRX protein (p.Ser1282Leu). The frequency data for this variant in the population databases is considered unreliable, as metrics indicate poor data quality at this position in the gnomAD database. This variant has not been reported in the literature in individuals affected with PRX-related conditions. ClinVar contains an entry for this variant (Variation ID: 246537). Invitae Evidence Modeling of protein sequence and biophysical properties (such as structural, functional, and spatial information, amino acid conservation, physicochemical variation, residue mobility, and thermodynamic stability) indicates that this missense variant is not expected to disrupt PRX protein function with a negative predictive value of 80%. In summary, the available evidence is currently insufficient to determine the role of this variant in disease. Therefore, it has been classified as a Variant of Uncertain Significance.

Ambry Genetics
Classification: Uncertain significance for Inborn genetic diseases. Last evaluated: 2021-11-09. Review status: criteria provided, single submitter. Criteria: Ambry Variant Classification Scheme 2023. Collection method: clinical testing. Allele origin: germline.
Comment: The p.S1282L variant (also known as c.3845C>T), located in coding exon 4 of the PRX gene, results from a C to T substitution at nucleotide position 3845. The serine at codon 1282 is replaced by leucine, an amino acid with dissimilar properties. This amino acid position is well conserved in available vertebrate species. In addition, this alteration is predicted to be tolerated by in silico analysis. Since supporting evidence is limited at this time, the clinical significance of this alteration remains unclear.

NM_181882.3(PRX):c.3845C>T (p.Ser1282Leu)

Gene: PRX (periaxin; minus strand). Cytogenetic location: 19q13.2.
Variant type: single nucleotide variant.
Coding change: c.3845C>T on transcript NM_181882.3 (MANE Select); coding-DNA position 3845, C replaced by T.
Protein change: p.Ser1282Leu; replaces serine 1282 with leucine.
Molecular consequence: missense variant. On other transcripts: 3 prime UTR variant (1).
Genome position (GRCh38, 1-based): chr19:40,394,507, G>A on the plus strand (C>T on the coding strand, the complement: PRX is on the minus strand). VCF-style: chr19-40394507-G-A. GRCh37 (hg19) VCF-style: chr19-40900414-G-A.
Other names: c.*4050C>T (NM_020956.2); short protein forms S1282L.
Identifiers: ClinVar variation 246537 (VCV000246537.20), dbSNP rs753530396, ClinGen allele CA9443768.